The following is an entry in ClinVar:

NM_000440.3(PDE6A):c.1A>G (p.Met1Val)

Gene: PDE6A (phosphodiesterase 6A; minus strand). Cytogenetic location: 5q32.
Variant type: single nucleotide variant.
Coding change: c.1A>G on transcript NM_000440.3 (MANE Select); coding-DNA position 1, A replaced by G.
Protein change: p.Met1Val; changes the start codon (methionine 1).
Molecular consequence: missense variant, initiator codon variant.
Genome position (GRCh38, 1-based): chr5:149,944,673, T>C on the plus strand (A>G on the coding strand, the complement: PDE6A is on the minus strand). VCF-style: chr5-149944673-T-C. GRCh37 (hg19) VCF-style: chr5-149324236-T-C.
Other names: short protein forms M1V.
Identifiers: ClinVar variation 636055 (VCV000636055.4), dbSNP rs976670244, ClinGen allele CA361701668.

ClinVar aggregate classification (germline): Likely pathogenic. Review status: criteria provided, single submitter (1 of 4 stars). 2 submissions from 2 submitters: Likely pathogenic (1). 1 of the submissions does not count toward it. Last evaluated 2024-05-07.

Conditions:
Retinitis pigmentosa (RP). Identifiers: Orphanet 791, MedGen C0035334, MeSH D012174, MONDO:0019200, OMIM 268000. Inheritance: Autosomal dominant, autosomal recessive and X linked inheritance.

Allele frequency attached by ClinVar (database versions not stated): gnomAD exomes below 0.00001.

Submissions (2):

Labcorp Genetics (formerly Invitae), Labcorp
Classification: Likely pathogenic. Last evaluated: 2024-05-07. Review status: criteria provided, single submitter. Criteria: Invitae Variant Classification Sherloc (09022015). Collection method: clinical testing. Allele origin: germline.
Comment: This sequence change affects the initiator methionine of the PDE6A mRNA. The next in-frame methionine is located at codon 55. This variant is not present in population databases (gnomAD no frequency). Disruption of the initiator codon has been observed in individuals with clinical features of retinitis pigmentosa (PMID: 30718709; Invitae). ClinVar contains an entry for this variant (Variation ID: 636055). This variant disrupts a region of the PDE6A protein in which other variant(s) (p.Arg29Trp) have been observed in individuals with PDE6A-related conditions (PMID: 30902645). This suggests that this is a clinically significant region of the protein, and that variants that disrupt it are likely to be disease-causing. In summary, the currently available evidence indicates that the variant is pathogenic, but additional data are needed to prove that conclusively. Therefore, this variant has been classified as Likely Pathogenic.

Department of Clinical Genetics, Copenhagen University Hospital, Rigshospitalet
Classification: Likely pathogenic for Retinitis pigmentosa. Last evaluated: 2018-04-01. Review status: no assertion criteria provided. Collection method: research. Allele origin: unknown. Affected: yes. Study: VeluxRD. Not counted in ClinVar's aggregate classification.

Literature cited by the submitters: PubMed 30718709 (cited by Labcorp Genetics (formerly Invitae), Labcorp and Department of Clinical Genetics, Copenhagen University Hospital, Rigshospitalet); PubMed 30902645 (cited by Labcorp Genetics (formerly Invitae), Labcorp).